The following is an entry in ClinVar:

NM_033004.4(NLRP1):c.3528T>G (p.His1176Gln)

Gene: NLRP1 (NLR family pyrin domain containing 1; minus strand). Cytogenetic location: 17p13.2.
Variant type: single nucleotide variant.
Coding change: c.3528T>G on transcript NM_033004.4 (MANE Select); coding-DNA position 3528, T replaced by G.
Protein change: p.His1176Gln; replaces histidine 1176 with glutamine.
Molecular consequence: missense variant.
Genome position (GRCh38, 1-based): chr17:5,521,779, A>C on the plus strand (T>G on the coding strand, the complement: NLRP1 is on the minus strand). VCF-style: chr17-5521779-A-C. GRCh37 (hg19) VCF-style: chr17-5425099-A-C.
Other names: c.3540T>G, p.His1180Gln (NM_001033053.3); c.3528T>G, p.His1176Gln (NM_014922.5); c.3438T>G, p.His1146Gln (NM_033006.4, NM_033007.4); short protein forms H1180Q, H1176Q, H1146Q.
Identifiers: ClinVar variation 4722080 (VCV004722080.1).

ClinVar aggregate classification (germline): Uncertain significance (1 of 4 stars; one submission).

Submission:

Labcorp Genetics (formerly Invitae), Labcorp
Classification: Uncertain significance. Last evaluated: 2025-07-01. Review status: criteria provided, single submitter. Criteria: Invitae Variant Classification Sherloc (09022015). Collection method: clinical testing. Allele origin: germline.
Comment: This sequence change replaces histidine, which is basic and polar, with glutamine, which is neutral and polar, at codon 1176 of the NLRP1 protein (p.His1176Gln). This variant is not present in population databases (gnomAD no frequency). This variant has not been reported in the literature in individuals affected with NLRP1-related conditions. An algorithm developed to predict the effect of missense changes on protein structure and function outputs the following: PolyPhen-2: "Benign". The glutamine amino acid residue is found in multiple mammalian species, which suggests that this missense change does not adversely affect protein function. In summary, the available evidence is currently insufficient to determine the role of this variant in disease. Therefore, it has been classified as a Variant of Uncertain Significance.